The following is an entry in ClinVar:

ClinVar aggregate classification (germline): Uncertain significance (1 of 4 stars; one submission).

Conditions:
Neuronopathy, distal hereditary motor, type 7A. Also called: Neuronopathy, distal hereditary motor, type viia; NEURONOPATHY, DISTAL HEREDITARY MOTOR, HARDING TYPE VIIA; NEUROPATHY, DISTAL HEREDITARY MOTOR, HARDING TYPE VIIA; Neuronopathy, distal hereditary motor, autosomal dominant 7; HARPER-YOUNG MYOPATHY; HMN VIIA. Identifiers: Orphanet 139589, MedGen C1834703, MONDO:0008024, OMIM 158580.
Congenital myasthenic syndrome 20. Also called: Myasthenic syndrome, congenital, 20, presynaptic. Identifiers: MedGen C4310694, MONDO:0014939, OMIM 617143.

gnomAD v4.1: 1 of 1,614,062 alleles (0.000062%); highest among the groups gnomAD compares: East Asian, 0.0022%; no homozygotes.

Submission:

Labcorp Genetics (formerly Invitae), Labcorp
Classification: Uncertain significance for Neuronopathy, distal hereditary motor, type 7A; Congenital myasthenic syndrome 20. Last evaluated: 2024-01-25. Review status: criteria provided, single submitter. Criteria: Invitae Variant Classification Sherloc (09022015). Collection method: clinical testing. Allele origin: germline.
Comment: This sequence change replaces serine, which is neutral and polar, with arginine, which is basic and polar, at codon 34 of the SLC5A7 protein (p.Ser34Arg). This variant is present in population databases (no rsID available, gnomAD 0.007%). This variant has not been reported in the literature in individuals affected with SLC5A7-related conditions. An algorithm developed to predict the effect of missense changes on protein structure and function (PolyPhen-2) suggests that this variant is likely to be tolerated. In summary, the available evidence is currently insufficient to determine the role of this variant in disease. Therefore, it has been classified as a Variant of Uncertain Significance.

NM_021815.5(SLC5A7):c.102C>A (p.Ser34Arg)

Gene: SLC5A7 (solute carrier family 5 member 7; plus strand). Cytogenetic location: 2q12.3.
Variant type: single nucleotide variant.
Coding change: c.102C>A on transcript NM_021815.5 (MANE Select); coding-DNA position 102, C replaced by A.
Protein change: p.Ser34Arg; replaces serine 34 with arginine.
Molecular consequence: missense variant. On other transcripts: 5 prime UTR variant (1), intron variant (1).
Genome position (GRCh38, 1-based): chr2:107,988,257, C>A. VCF-style: chr2-107988257-C-A. GRCh37 (hg19) VCF-style: chr2-108604713-C-A.
Other names: c.102C>A, p.Ser34Arg (NM_001305005.3); c.-603C>A (NM_001305007.3); c.-138+1494C>A (NM_001305006.3); short protein forms S34R.
Identifiers: ClinVar variation 3751166 (VCV003751166.2).